The following is an entry in ClinVar:

ClinVar aggregate classification (germline): Uncertain significance (1 of 4 stars; one submission).

Conditions:
Hereditary cancer-predisposing syndrome. Also called: Neoplastic Syndromes, Hereditary; Tumor predisposition; Hereditary Cancer Syndrome; Hereditary neoplastic syndrome. Identifiers: Orphanet 140162, MedGen C0027672, MeSH D009386, MONDO:0015356.

Submission:

Ambry Genetics
Classification: Uncertain significance for Hereditary cancer-predisposing syndrome. Last evaluated: 2026-06-13. Review status: criteria provided, single submitter. Criteria: Ambry Variant Classification Scheme 2023. Collection method: clinical testing. Allele origin: germline.
Comment: The p.N1613H variant (also known as c.4837A>C), located in coding exon 29 of the ALK gene, results from an A to C substitution at nucleotide position 4837. The asparagine at codon 1613 is replaced by histidine, an amino acid with similar properties. This amino acid position is conserved. In addition, this alteration is predicted to be tolerated by in silico analysis. Based on the available evidence, the clinical significance of this variant remains unclear.

NM_004304.5(ALK):c.4837A>C (p.Asn1613His)

Gene: ALK (ALK receptor tyrosine kinase; minus strand). Cytogenetic location: 2p23.2.
Variant type: single nucleotide variant.
Coding change: c.4837A>C on transcript NM_004304.5 (MANE Select); coding-DNA position 4837, A replaced by C.
Protein change: p.Asn1613His; replaces asparagine 1613 with histidine.
Molecular consequence: missense variant.
Genome position (GRCh38, 1-based): chr2:29,193,250, T>G on the plus strand (A>C on the coding strand, the complement: ALK is on the minus strand). VCF-style: chr2-29193250-T-G. GRCh37 (hg19) VCF-style: chr2-29416116-T-G.
Other names: c.1633A>C, p.Asn545His (NM_001353765.2); short protein forms N1613H, N545H.
Identifiers: ClinVar variation 4870605 (VCV004870605.1).